The following is an entry in ClinVar:

NM_013314.4(BLNK):c.1115G>A (p.Arg372Gln)

Genes: BLNK (B cell linker; minus strand), ZNF518A (zinc finger protein 518A; plus strand). Cytogenetic location: 10q24.1.
Variant type: single nucleotide variant.
Coding change: c.1115G>A on transcript NM_013314.4 (MANE Select); coding-DNA position 1115, G replaced by A.
Protein change: p.Arg372Gln; replaces arginine 372 with glutamine.
Molecular consequence: missense variant. On other transcripts: non-coding transcript variant (3), intron variant (3).
Genome position (GRCh38, 1-based): chr10:96,197,044, C>T on the plus strand (G>A on the coding strand, the complement: BLNK is on the minus strand). VCF-style: chr10-96197044-C-T. GRCh37 (hg19) VCF-style: chr10-97956800-C-T.
Other names: c.1046G>A, p.Arg349Gln (NM_001114094.2); c.780+3031G>A (NM_001258442.2); c.1026+3031G>A (NM_001258441.2); c.1095+3031G>A (NM_001258440.2); short protein forms R349Q, R372Q.
Identifiers: ClinVar variation 1442757 (VCV001442757.8), dbSNP rs782570122, ClinGen allele CA5623172.

ClinVar aggregate classification (germline): Uncertain significance (1 of 4 stars; one submission).

Conditions:
Agammaglobulinemia 4, autosomal recessive (AGM4). Also called: AGAMMAGLOBULINEMIA, AUTOSOMAL RECESSIVE, DUE TO BLNK DEFECT; B cell linker protein deficiency. Identifiers: MedGen C3150752, MONDO:0013289, OMIM 613502.

Allele frequency attached by ClinVar (database versions not stated): gnomAD exomes below 0.00001; ExAC 0.00001.

Submission:

Labcorp Genetics (formerly Invitae), Labcorp
Classification: Uncertain significance for Agammaglobulinemia 4, autosomal recessive. Last evaluated: 2021-08-09. Review status: criteria provided, single submitter. Criteria: Invitae Variant Classification Sherloc (09022015). Collection method: clinical testing. Allele origin: germline.
Comment: In summary, the available evidence is currently insufficient to determine the role of this variant in disease. Therefore, it has been classified as a Variant of Uncertain Significance. Algorithms developed to predict the effect of sequence changes on RNA splicing suggest that this variant may create or strengthen a splice site. Algorithms developed to predict the effect of missense changes on protein structure and function are either unavailable or do not agree on the potential impact of this missense change (SIFT: "Deleterious"; PolyPhen-2: "Probably Damaging"; Align-GVGD: "Class C0"). This variant has not been reported in the literature in individuals affected with BLNK-related conditions. This variant is present in population databases (rs782570122, ExAC 0.002%). This sequence change replaces arginine with glutamine at codon 372 of the BLNK protein (p.Arg372Gln). The arginine residue is highly conserved and there is a small physicochemical difference between arginine and glutamine.